The following is an entry in ClinVar:

NM_152594.3(SPRED1):c.1205T>G (p.Leu402Trp)

Gene: SPRED1 (sprouty related EVH1 domain containing 1; plus strand). Cytogenetic location: 15q14.
Variant type: single nucleotide variant.
Coding change: c.1205T>G on transcript NM_152594.3 (MANE Select); coding-DNA position 1205, T replaced by G.
Protein change: p.Leu402Trp; replaces leucine 402 with tryptophan.
Molecular consequence: missense variant.
Genome position (GRCh38, 1-based): chr15:38,351,534, T>G. VCF-style: chr15-38351534-T-G. GRCh37 (hg19) VCF-style: chr15-38643735-T-G.
Other names: short protein forms L402W.
Identifiers: ClinVar variation 5030116 (VCV005030116.1).

ClinVar aggregate classification (germline): Uncertain significance (1 of 4 stars; one submission).

Conditions:
Cardiovascular phenotype. Identifiers: MedGen CN230736.

Submission:

Ambry Genetics
Classification: Uncertain significance for Cardiovascular phenotype. Last evaluated: 2026-07-20. Review status: criteria provided, single submitter. Criteria: Ambry Variant Classification Scheme 2023. Collection method: clinical testing. Allele origin: germline.
Comment: The p.L402W variant (also known as c.1205T>G), located in coding exon 7 of the SPRED1 gene, results from a T to G substitution at nucleotide position 1205. The leucine at codon 402 is replaced by tryptophan, an amino acid with similar properties. This amino acid position is conserved. In addition, the in silico prediction for this alteration is inconclusive. Based on the available evidence, the clinical significance of this variant remains unclear.